The following is an entry in ClinVar:

ClinVar aggregate classification (germline): Pathogenic (1 of 4 stars; one submission).

Conditions:
Deficiency of alpha-mannosidase (MANSA). Also called: LYSOSOMAL ALPHA-D-MANNOSIDASE DEFICIENCY; Alpha-Mannosidosis; Mannosidosis, alpha-, types I and II. Identifiers: Orphanet 61, MedGen C0024748, MONDO:0009561, OMIM 248500.

Submission:

Myriad Genetics, Inc.
Classification: Pathogenic for Deficiency of alpha-mannosidase. Last evaluated: 2023-08-21. Review status: criteria provided, single submitter. Criteria: Myriad Autosomal Dominant, Autosomal Recessive and X-Linked Classification Criteria (2023). Collection method: clinical testing. Allele origin: unknown.
Comment: NM_000528.3(MAN2B1):c.2611_2612insAGCA(L871Qfs*61) is expected to be pathogenic in the context of alpha-mannosidosis. This variant is predicted to lead to an abnormal or absent protein product due to the creation of a premature termination codon in MAN2B1, a gene where loss-of-function variants are known to be pathogenic. Please note: this variant was assessed in the context of healthy population screening.

NM_000528.4(MAN2B1):c.2611_2612insAGCA (p.Leu871fs)

Gene: MAN2B1 (mannosidase alpha class 2B member 1; minus strand). Cytogenetic location: 19p13.13.
Variant type: Insertion.
Coding change: c.2611_2612insAGCA on transcript NM_000528.4 (MANE Select); coding-DNA positions 2611 to 2612, AGCA inserted.
Protein change: p.Leu871fs; shifts the reading frame from leucine 871.
Molecular consequence: frameshift variant.
Genome position: GRCh38 VCF-style: chr19-12648227-A-ATGCT. GRCh37 (hg19) VCF-style: chr19-12759041-A-ATGCT.
Other names: c.2608_2609insAGCA, p.Leu870fs (NM_001173498.2); c.2614_2615insAGCA, p.Leu872fs (NM_001440570.1); short protein forms L870fs, L871fs, L872fs.
Identifiers: ClinVar variation 5011414 (VCV005011414.1).